The following is an entry in ClinVar:

NM_000059.4(BRCA2):c.891_902del (p.Glu297_Val300del)

Gene: BRCA2 (BRCA2 DNA repair associated; plus strand). Cytogenetic location: 13q13.1.
Variant type: Deletion.
Coding change: c.891_902del on transcript NM_000059.4 (MANE Select); coding-DNA positions 891 to 902, 12 bases deleted (AACAGTTGTAGA).
Protein change: p.Glu297_Val300del.
Molecular consequence: inframe deletion.
Genome position (GRCh38, 1-based): chr13:32,332,369-32,332,380, AACAGTTGTAGA deleted; deleting any 12 consecutive bases within chr13:32,332,367-32,332,380 gives the same sequence; the c. name uses the placement nearest the transcript's 3' end. VCF-style (leftmost placement, unchanged base first): chr13-32332366-TGAAACAGTTGTA-T. GRCh37 (hg19) VCF-style: chr13-32906503-TGAAACAGTTGTA-T.
Identifiers: ClinVar variation 970906 (VCV000970906.9), dbSNP rs2072399471, ClinGen allele CA1139663101.

ClinVar aggregate classification (germline): Uncertain significance (1 of 4 stars; one submission).

Conditions:
Hereditary breast ovarian cancer syndrome. Also called: BRCA1- and BRCA2-Associated Hereditary Breast and Ovarian Cancer; Hereditary breast and ovarian cancer; Hereditary breast and ovarian cancer syndrome; Hereditary breast and/or ovarian cancer syndrome; Hereditary breast and ovarian cancer syndrome (HBOC); Breast and ovarian cancer. Identifiers: Orphanet 145, MedGen C0677776, MeSH D061325, MONDO:0003582. Disease mechanism: loss of function.

Submission:

Labcorp Genetics (formerly Invitae), Labcorp
Classification: Uncertain significance for Hereditary breast ovarian cancer syndrome. Last evaluated: 2023-01-15. Review status: criteria provided, single submitter. Criteria: Invitae Variant Classification Sherloc (09022015). Collection method: clinical testing. Allele origin: germline.
Comment: In summary, the available evidence is currently insufficient to determine the role of this variant in disease. Therefore, it has been classified as a Variant of Uncertain Significance. Experimental studies and prediction algorithms are not available or were not evaluated, and the functional significance of this variant is currently unknown. ClinVar contains an entry for this variant (Variation ID: 970906). This variant has not been reported in the literature in individuals affected with BRCA2-related conditions. This variant is not present in population databases (gnomAD no frequency). This variant, c.891_902del, results in the deletion of 4 amino acid(s) of the BRCA2 protein (p.Glu297_Val300del), but otherwise preserves the integrity of the reading frame.